The following is an entry in ClinVar:

NM_014795.4(ZEB2):c.1663A>T (p.Lys555Ter)

Gene: ZEB2 (zinc finger E-box binding homeobox 2; minus strand). Cytogenetic location: 2q22.3.
Variant type: single nucleotide variant.
Coding change: c.1663A>T on transcript NM_014795.4 (MANE Select); coding-DNA position 1663, A replaced by T.
Protein change: p.Lys555Ter; replaces lysine 555 with a stop codon.
Molecular consequence: nonsense.
Genome position (GRCh38, 1-based): chr2:144,399,524, T>A on the plus strand (A>T on the coding strand, the complement: ZEB2 is on the minus strand). VCF-style: chr2-144399524-T-A. GRCh37 (hg19) VCF-style: chr2-145157091-T-A.
Other names: c.1591A>T, p.Lys531Ter (NM_001171653.2); short protein forms K555*, K531*.
Identifiers: ClinVar variation 4993467 (VCV004993467.1).
Genomic context (GRCh38, chr2:144,399,524, plus strand): 5'-GGTTCTCAATCATTTTGTCATCAGTGACCAAATCTATTAAAGTACGTAGCTTCTCTTTCT[T>A]TATATTACTGATCTGTCTCCTTGAGTCAGTAGTCAAGCTCTGGAGGCAAGCTTTGGCTTC-3'

ClinVar aggregate classification (germline): Likely pathogenic (1 of 4 stars; one submission).

Conditions:
ZEB2-related disorder. Also called: ZEB2-related condition.

Submission:

PreventionGenetics, part of Exact Sciences
Classification: Likely pathogenic for ZEB2-related condition. Last evaluated: 2026-03-05. Review status: criteria provided, single submitter. Criteria: ACMG Guidelines, 2015. Collection method: clinical testing. Allele origin: germline.
Comment: The ZEB2 c.1663A>T variant is predicted to result in premature protein termination (p.Lys555*). To our knowledge, this variant has not been reported in the literature or in a large population database (gnomAD), indicating this variant is rare. Nonsense variants in ZEB2 are expected to be pathogenic. This variant is interpreted as likely pathogenic.